The following is an entry in ClinVar:

ClinVar aggregate classification (germline): Uncertain significance (1 of 4 stars; one submission).

Conditions:
Familial steroid-resistant nephrotic syndrome with sensorineural deafness. Identifiers: Orphanet 280406, MedGen C3553349, MONDO:0013836, OMIM 614650.

gnomAD v4.1: 1 of 1,614,058 alleles (0.000062%); highest among the groups gnomAD compares: African/African-American, 0.0013%; no homozygotes.

Submission:

Neuberg Centre For Genomic Medicine, NCGM
Classification: Uncertain significance for Familial steroid-resistant nephrotic syndrome with sensorineural deafness. Last evaluated: 2024-02-01. Review status: criteria provided, single submitter. Criteria: ACMG Guidelines, 2015. Collection method: clinical testing. Allele origin: germline. Inheritance: Autosomal recessive inheritance.
Comment: The above variant has not previously reported as a pathogenic nor as a benign variant, to our knowledge.

NM_182476.3(COQ6):c.1343G>A (p.Gly448Asp)

Genes: COQ6 (coenzyme Q6, monooxygenase; plus strand), ENTPD5 (ectonucleoside triphosphate diphosphohydrolase 5; minus strand). Cytogenetic location: 14q24.3.
Variant type: single nucleotide variant.
Coding change: c.1343G>A on transcript NM_182476.3 (MANE Select); coding-DNA position 1343, G replaced by A.
Protein change: p.Gly448Asp; replaces glycine 448 with aspartic acid.
Molecular consequence: missense variant. On other transcripts: intron variant (7).
Genome position (GRCh38, 1-based): chr14:73,961,869, G>A. VCF-style: chr14-73961869-G-A. GRCh37 (hg19) VCF-style: chr14-74428572-G-A.
Other names: c.803G>A, p.Gly268Asp (NM_001425265.1, NM_001425264.1); c.1268G>A, p.Gly423Asp (NM_182480.3); c.1210+299G>A (NM_001425255.1); c.1201-6282C>T (NM_001382258.1); c.1201-6041C>T (NM_001382262.1); c.1201-2316C>T (NM_001382260.1, NM_001382259.1, NM_001330189.2); c.1201-319C>T (NM_001321984.2); c.1235G>A, p.Gly412Asp (NM_001425256.1); and 5 more; short protein forms G268D, G339D, G363D, G373D, G387D, G393D, G412D, G423D.
Identifiers: ClinVar variation 3898020 (VCV003898020.1).